The following is an entry in ClinVar:

NM_001371333.1(DIABLO):c.536C>T (p.Ala179Val)

Genes: DIABLO (diablo IAP-binding mitochondrial protein; minus strand), B3GNT4 (UDP-GlcNAc:betaGal beta-1,3-N-acetylglucosaminyltransferase 4; plus strand). Cytogenetic location: 12q24.31.
Variant type: single nucleotide variant.
Coding change: c.536C>T on transcript NM_001371333.1 (MANE Select); coding-DNA position 536, C replaced by T.
Protein change: p.Ala179Val; replaces alanine 179 with valine.
Molecular consequence: missense variant. On other transcripts: 3 prime UTR variant (2).
Genome position (GRCh38, 1-based): chr12:122,208,565, G>A on the plus strand (C>T on the coding strand, the complement: DIABLO is on the minus strand). VCF-style: chr12-122208565-G-A. GRCh37 (hg19) VCF-style: chr12-122693112-G-A.
Other names: c.245C>T, p.Ala82Val (NM_001278302.1); c.317C>T, p.Ala106Val (NM_001278303.1); c.377C>T, p.Ala126Val (NM_001278304.2, NM_138930.3); c.404C>T, p.Ala135Val (NM_001278342.1); c.536C>T, p.Ala179Val (NM_019887.6); c.*1177G>A (NM_001330492.2, NM_030765.4); short protein forms A106V, A126V, A135V, A179V, A82V.
Identifiers: ClinVar variation 4857400 (VCV004857400.1).

ClinVar aggregate classification (germline): Likely pathogenic (1 of 4 stars; one submission).

Conditions:
Autosomal dominant nonsyndromic hearing loss 64. Identifiers: Orphanet 90635, MedGen C3279948, MONDO:0013593, OMIM 614152.

gnomAD v4.1: 38 of 1,612,886 alleles (0.0024%); highest among the groups gnomAD compares: Non-Finnish European, 0.0032%; no homozygotes.

Submission:

Precision Medicine Center, Zhengzhou University
Classification: Likely pathogenic for Autosomal dominant nonsyndromic hearing loss 64. Last evaluated: 2006-06-30. Review status: criteria provided, single submitter. Criteria: ClinGen HL ACMG Specifications v1. Collection method: clinical testing. Allele origin: paternal. Affected: yes.
Comment: PS3+PM2+PS4_supporting:The DIABLO c.377C>T variant is absent or extremely rare in population databases (PM2). Functional studies demonstrate impaired protein function consistent with disruption of the mitochondrial apoptosis pathway (PMID: 21722859)(PS3). At least 2 probands with variant 2(PMID: 21722859) (PS4_supporting). According to the ACMG/AMP guidelines, this variant is classified as Likely Pathogenic.

Literature cited by the submitters: PubMed 21722859.